The following is an entry in ClinVar:

ClinVar aggregate classification (germline): Uncertain significance. Review status: criteria provided, multiple submitters, no conflicts (2 of 4 stars). 4 submissions from 4 submitters: Uncertain significance (4). Last evaluated 2025-08-17.

Conditions:
Familial thoracic aortic aneurysm and aortic dissection (TAAD). Also called: Thoracic aortic aneurysms and dissections. Identifiers: Orphanet 91387, MedGen C4707243, MONDO:0019625.
Aneurysm-osteoarthritis syndrome. Also called: ANEURYSMS-OSTEOARTHRITIS SYNDROME; Loeys-Dietz syndrome, type 1C; SMAD3-Related Loeys-Dietz Syndrome; LOEYS-DIETZ SYNDROME WITH OSTEOARTHRITIS. Identifiers: Orphanet 284984, MedGen C3151087, MONDO:0013426, OMIM 613795.

Allele frequency attached by ClinVar (database versions not stated): gnomAD exomes below 0.00001 and 0.00001; gnomAD 0.00001; TOPMed 0.00001; ExAC 0.00002.

Submissions (4):

Labcorp Genetics (formerly Invitae), Labcorp
Classification: Uncertain significance for Familial thoracic aortic aneurysm and aortic dissection. Last evaluated: 2025-08-17. Review status: criteria provided, single submitter. Criteria: Invitae Variant Classification Sherloc (09022015). Collection method: clinical testing. Allele origin: germline.
Comment: This sequence change replaces alanine, which is neutral and non-polar, with threonine, which is neutral and polar, at codon 202 of the SMAD3 protein (p.Ala202Thr). The frequency data for this variant in the population databases is considered unreliable, as metrics indicate poor data quality at this position in the gnomAD database. This variant has not been reported in the literature in individuals affected with SMAD3-related conditions. ClinVar contains an entry for this variant (Variation ID: 1171415). Invitae Evidence Modeling of protein sequence and biophysical properties (such as structural, functional, and spatial information, amino acid conservation, physicochemical variation, residue mobility, and thermodynamic stability) indicates that this missense variant is not expected to disrupt SMAD3 protein function with a negative predictive value of 80%. In summary, the available evidence is currently insufficient to determine the role of this variant in disease. Therefore, it has been classified as a Variant of Uncertain Significance.

All of Us Research Program, National Institutes of Health
Classification: Uncertain significance for Aneurysm-osteoarthritis syndrome. Last evaluated: 2024-08-13. Review status: criteria provided, single submitter. Criteria: ACMG Guidelines, 2015. Collection method: clinical testing. Allele origin: germline. Inheritance: Autosomal dominant inheritance. Observed: 4 variant alleles, 4 heterozygotes.
Comment: This missense variant replaces alanine with threonine at codon 202 of the SMAD3 protein. Computational prediction is inconclusive regarding the impact of this variant on protein structure and function (internally defined REVEL score threshold 0.5 < inconclusive < 0.7, PMID: 27666373). To our knowledge, functional studies have not been reported for this variant. This variant has not been reported in individuals affected with cardiovascular disorders in the literature. This variant has been identified in 1/208442 chromosomes in the general population by the Genome Aggregation Database (gnomAD). The available evidence is insufficient to determine the role of this variant in disease conclusively. Therefore, this variant is classified as a Variant of Uncertain Significance.

This study involves interpretation of variants in research participants for the purpose of population health screening. Participant phenotype was not available at the time of variant classification. Additional details can be found in publication PMID: 35346344, PMCID: PMC8962531

Color Diagnostics, LLC DBA Color Health
Classification: Uncertain significance for Familial thoracic aortic aneurysm and aortic dissection. Last evaluated: 2024-07-31. Review status: criteria provided, single submitter. Criteria: ACMG Guidelines, 2015. Collection method: clinical testing. Allele origin: germline.
Comment: This missense variant replaces alanine with threonine at codon 202 of the SMAD3 protein. Computational prediction suggests that this variant may not impact protein structure and function. To our knowledge, functional studies have not been reported for this variant. This variant has not been reported in individuals affected with SMAD3-related disorders in the literature. This variant has been identified in 1/208442 chromosomes in the general population by the Genome Aggregation Database (gnomAD). The available evidence is insufficient to determine the role of this variant in disease conclusively. Therefore, this variant is classified as a Variant of Uncertain Significance.

Ambry Genetics
Classification: Uncertain significance for Familial thoracic aortic aneurysm and aortic dissection. Last evaluated: 2023-11-17. Review status: criteria provided, single submitter. Criteria: Ambry Variant Classification Scheme 2023. Collection method: clinical testing. Allele origin: germline.
Comment: The p.A202T variant (also known as c.604G>A), located in coding exon 4 of the SMAD3 gene, results from a G to A substitution at nucleotide position 604. The alanine at codon 202 is replaced by threonine, an amino acid with similar properties. This amino acid position is conserved. In addition, the in silico prediction for this alteration is inconclusive. Since supporting evidence is limited at this time, the clinical significance of this alteration remains unclear.

NM_005902.4(SMAD3):c.604G>A (p.Ala202Thr)

Gene: SMAD3 (SMAD family member 3; plus strand). Cytogenetic location: 15q22.33.
Variant type: single nucleotide variant.
Coding change: c.604G>A on transcript NM_005902.4 (MANE Select); coding-DNA position 604, G replaced by A.
Protein change: p.Ala202Thr; replaces alanine 202 with threonine.
Molecular consequence: missense variant.
Genome position (GRCh38, 1-based): chr15:67,166,850, G>A. VCF-style: chr15-67166850-G-A. GRCh37 (hg19) VCF-style: chr15-67459188-G-A.
Other names: c.289G>A, p.Ala97Thr (NM_001145102.2); c.472G>A, p.Ala158Thr (NM_001145103.2); c.19G>A, p.Ala7Thr (NM_001145104.2); short protein forms A158T, A202T, A7T, A97T.
Identifiers: ClinVar variation 1171415 (VCV001171415.8), dbSNP rs760091844, ClinGen allele CA062393.